The following is an entry in ClinVar:

GRCh37/hg19 16p13.3(chr16:2021144-2146432)x1

Genes: GFER (growth factor, augmenter of liver regeneration; plus strand), MIR1225 (microRNA 1225; minus strand), NHERF2 (NHERF family PDZ scaffold protein 2; plus strand), NOXO1 (NADPH oxidase organizer 1; minus strand), NPW (neuropeptide W; plus strand) and 6 more. Cytogenetic location: 16p13.3.
Variant type: copy number loss.
Change: copy number 1 (one copy instead of two) of chr16:2,021,144-2,146,432 (125.3 kb, GRCh37 coordinates, 1-based), cytogenetic band 16p13.3.
Identifiers: ClinVar variation 1808105 (VCV001808105.1).

ClinVar aggregate classification (germline): Pathogenic (1 of 4 stars; one submission).

Submission:

Quest Diagnostics Nichols Institute San Juan Capistrano
Classification: Pathogenic. Last evaluated: 2022-01-24. Review status: criteria provided, single submitter. Criteria: ACMG/ClinGen CNV Guidelines, 2019. Collection method: clinical testing. Allele origin: unknown.
Comment: This imbalance is expected to cause phenotypic and/or developmental abnormalities. The copy number loss of 16p13.3 involves several protein-coding genes, including the entire TSC2 (OMIM 191092) and exons 35-46 of the 3' end of PKD1 (NM_001009944.3, total 46 exons, OMIM 601313). Overlapping deletions of this locus have been reported in patients with infantile severe polycystic kidney disease with tuberous sclerosis (PKDTS; OMIM 600273), which is a contiguous gene deletion syndrome involving both PKD1 and TSC2 (Ariyurek 2004; Consugar 2008; Oyazato 2011; Boehm 2007). There have been multiple reports of renal cystic disease or PKDTS in individuals with only partial deletions of the 3' portion of PKD1 (Sampson 1997, Kozlowski 2007, Reyna-Fabian 2020). Individually, haploinsufficiency of TSC2 and PKD1 are associated with autosomal dominant conditions of tuberous sclerosis-2 (OMIM 613254) and polycystic kidney disease 1 (OMIM 173900), respectively. Tuberous sclerosis complex is a multi-system disorder characterized by hamartomas in multiple organ systems, including the brain, skin,heart, kidneys, and lungs. These changes can result in epilepsy, learning difficulties, behavioral problems, and renal failure, and an increased risk of malignancy is also reported. Polycystic kidney disease 1 is a form of polycystic kidney disease (ADPKD) and has the cardinal manifestations of renal cysts, liver cysts, and intracranial aneurysms. Acute and chronic pain and nephrolithiasis are common complications. The most serious renal complication is end-stage renal disease, which occurs in approximately 50% of patients by the age of 60 years. The typical age of onset is in middle life, but the range is from infancy to 80 years. References: Ariyurek et al., Hum Mutat. 2004 Jan;23(1):99. PMID: 14695542. Boehm et al., Am J Kidney Dis. 2007 Jan;49(1):e11-21. PMID: 17185137. Consugar et al., Kidney Int. 2008 Dec;74(11):1468-79. PMID: 18818683. Kozlowski et al., Hum Genet. 2007 May;121(3-4):389-400. PMID:17287951. Oyazato et al., Kobe J Med Sci. 2011 Jun 9;57(1):E1-10, PMID:22169896. Reyna-Fabian et al., Nefrologia (Engl Ed). Jan-Feb 2020;40(1):91-98.PMID: 31176519. Sampson et al., Am J Hum Genet. 1997 Oct;61(4):843-51. PMID: 9382094.